The following is an entry in ClinVar:

NM_004606.5(TAF1):c.1116A>C (p.Thr372=)

Gene: TAF1 (TATA-box binding protein associated factor 1; plus strand). Cytogenetic location: Xq13.1.
Variant type: single nucleotide variant.
Coding change: c.1116A>C on transcript NM_004606.5 (MANE Select); coding-DNA position 1116, A replaced by C.
Protein change: p.Thr372=; no amino-acid change (threonine 372 retained).
Molecular consequence: synonymous variant. On other transcripts: non-coding transcript variant (9).
Genome position (GRCh38, 1-based): chrX:71,378,417, A>C. VCF-style: chrX-71378417-A-C. GRCh37 (hg19) VCF-style: chrX-70598267-A-C.
Other names: c.1116A>C, p.Thr372= (NM_001286074.2); c.1053A>C, p.Thr351= (NM_138923.4).
Identifiers: ClinVar variation 700237 (VCV000700237.20), dbSNP rs749353610, ClinGen allele CA10446663.

ClinVar aggregate classification (germline): Likely benign. Review status: criteria provided, multiple submitters, no conflicts (2 of 4 stars). 2 submissions from 2 submitters: Likely benign (2). Last evaluated 2026-01-14.

Allele frequency attached by ClinVar (database versions not stated): gnomAD exomes 0.00004 and 0.00016; ExAC 0.00006; gnomAD 0.00030 and 0.00033; TOPMed 0.00047.
gnomAD v4.1: 74 of 1,210,737 alleles (0.0061%); highest among the groups gnomAD compares: Admixed American, 0.11%; no homozygotes.

Submissions (2):

Labcorp Genetics (formerly Invitae), Labcorp
Classification: Likely benign. Last evaluated: 2026-01-14. Review status: criteria provided, single submitter. Criteria: Invitae Variant Classification Sherloc (09022015). Collection method: clinical testing. Allele origin: germline.

CeGaT Center for Human Genetics Tuebingen
Classification: Likely benign. Last evaluated: 2024-12-01. Review status: criteria provided, single submitter. Criteria: CeGaT Center For Human Genetics Tuebingen Variant Classification Criteria Version 2. Collection method: clinical testing. Allele origin: germline. Affected: yes. Observed: 1 variant allele.
Comment: TAF1: BP4, BP7, BS2